The following is an entry in ClinVar:

NM_006073.4(TRDN):c.1683T>C (p.Val561=)

Gene: TRDN (triadin; minus strand). Cytogenetic location: 6q22.31.
Variant type: single nucleotide variant.
Coding change: c.1683T>C on transcript NM_006073.4 (MANE Select); coding-DNA position 1683, T replaced by C.
Protein change: p.Val561=; no amino-acid change (valine 561 retained).
Molecular consequence: synonymous variant.
Genome position (GRCh38, 1-based): chr6:123,271,176, A>G on the plus strand (T>C on the coding strand, the complement: TRDN is on the minus strand). VCF-style: chr6-123271176-A-G. GRCh37 (hg19) VCF-style: chr6-123592321-A-G.
Other names: c.1683T>C (NM_006073.2).
Identifiers: ClinVar variation 1550621 (VCV001550621.10), dbSNP rs777229118, ClinGen allele CA3983806.

ClinVar aggregate classification (germline): Conflicting classifications of pathogenicity. Review status: criteria provided, conflicting classifications (1 of 4 stars). 2 submissions from 2 submitters: Uncertain significance (1); Likely benign (1). Last evaluated 2025-12-08.

Conditions:
Cardiovascular phenotype. Identifiers: MedGen CN230736.
Catecholaminergic polymorphic ventricular tachycardia 1. Also called: VENTRICULAR TACHYCARDIA, STRESS-INDUCED POLYMORPHIC 1; RYR2-Related Catecholaminergic Polymorphic Ventricular Tachycardia; VENTRICULAR TACHYCARDIA, CATECHOLAMINERGIC POLYMORPHIC, 1, WITH OR WITHOUT ATRIAL DYSFUNCTION AND/OR DILATED CARDIOMYOPATHY. Identifiers: Orphanet 3286, MedGen C1631597, MONDO:0011484, OMIM 604772.

Allele frequency attached by ClinVar (database versions not stated): gnomAD exomes 0.00002 and 0.00005; TOPMed 0.00003; gnomAD 0.00004 and 0.00005; ExAC 0.00009.
gnomAD v4.1: 29 of 1,540,550 alleles (0.0019%); highest among the groups gnomAD compares: East Asian, 0.067%; no homozygotes.

Submissions (2):

Labcorp Genetics (formerly Invitae), Labcorp
Classification: Likely benign for Catecholaminergic polymorphic ventricular tachycardia 1. Last evaluated: 2025-12-08. Review status: criteria provided, single submitter. Criteria: Invitae Variant Classification Sherloc (09022015). Collection method: clinical testing. Allele origin: germline.

Ambry Genetics
Classification: Uncertain significance for Cardiovascular phenotype. Last evaluated: 2025-03-26. Review status: criteria provided, single submitter. Criteria: Ambry Variant Classification Scheme 2023. Collection method: clinical testing. Allele origin: germline.
Comment: The c.1683T>C variant (also known as p.V561V), located in coding exon 30 of the TRDN gene, results from a T to C substitution at nucleotide position 1683. This nucleotide substitution does not change the valine at codon 561. This nucleotide position is well conserved in available vertebrate species. In silico splice site analysis for this alteration is inconclusive. Based on the available evidence, the clinical significance of this variant remains unclear.